The following is an entry in ClinVar:

ClinVar aggregate classification (germline): Likely pathogenic (1 of 4 stars; one submission).

Conditions:
Familial dysautonomia. Also called: HSAN III; FD. Identifiers: Orphanet 1764, MedGen C0013364, MONDO:0009131, OMIM 223900. Disease mechanism: loss of function.

Submission:

Myriad Genetics, Inc.
Classification: Likely pathogenic for Familial dysautonomia. Last evaluated: 2022-01-02. Review status: criteria provided, single submitter. Criteria: Myriad Women's Health Autosomal Recessive and X-Linked Classification Criteria (2021). Collection method: clinical testing. Allele origin: unknown.
Comment: NM_003640.3(ELP1):c.1113T>A(Y371*) is expected to be pathogenic in the context of familial dysautonomia. This variant is predicted to lead to an abnormal or absent protein product due to the creation of a premature termination codon in ELP1, a gene where loss-of-function variants are known to be pathogenic. Please note: this variant was assessed in the context of healthy population screening.

NM_003640.5(ELP1):c.1113T>A (p.Tyr371Ter)

Gene: ELP1 (elongator acetyltransferase complex subunit 1; minus strand). Cytogenetic location: 9q31.3.
Variant type: single nucleotide variant.
Coding change: c.1113T>A on transcript NM_003640.5 (MANE Select); coding-DNA position 1113, T replaced by A.
Protein change: p.Tyr371Ter; replaces tyrosine 371 with a stop codon.
Molecular consequence: nonsense.
Genome position (GRCh38, 1-based): chr9:108,912,340, A>T on the plus strand (T>A on the coding strand, the complement: ELP1 is on the minus strand). VCF-style: chr9-108912340-A-T. GRCh37 (hg19) VCF-style: chr9-111674620-A-T.
Other names: c.771T>A, p.Tyr257Ter (NM_001318360.2); c.66T>A, p.Tyr22Ter (NM_001330749.2); short protein forms Y22*, Y257*, Y371*.
Identifiers: ClinVar variation 1726881 (VCV001726881.2), dbSNP rs1274989641, ClinGen allele CA374429390.